The following is an entry in ClinVar:

NM_020975.6(RET):c.670A>T (p.Ser224Cys)

Gene: RET (ret proto-oncogene; plus strand). Cytogenetic location: 10q11.21.
Variant type: single nucleotide variant.
Coding change: c.670A>T on transcript NM_020975.6 (MANE Select); coding-DNA position 670, A replaced by T.
Protein change: p.Ser224Cys; replaces serine 224 with cysteine.
Molecular consequence: missense variant.
Genome position (GRCh38, 1-based): chr10:43,104,996, A>T. VCF-style: chr10-43104996-A-T. GRCh37 (hg19) VCF-style: chr10-43600444-A-T.
Other names: c.670A>T, p.Ser224Cys (NM_000323.2, NM_001406743.1, NM_001406744.1 and 8 more transcripts); c.-93A>T (NM_001355216.2); c.541A>T, p.Ser181Cys (NM_001406761.1, NM_001406762.1, NM_001406764.1 and 2 more transcripts); c.382A>T, p.Ser128Cys (NM_001406766.1, NM_001406767.1, NM_001406770.1); short protein forms S128C, S181C, S224C.
Identifiers: ClinVar variation 1715177 (VCV001715177.5), dbSNP rs2132703820, ClinGen allele CA376544460.

ClinVar aggregate classification (germline): Uncertain significance (1 of 4 stars; one submission).

Conditions:
Multiple endocrine neoplasia, type 2 (MEN2). Identifiers: Orphanet 653, MedGen C4048306, MONDO:0019003. Disease mechanism: gain of function.

Submission:

Labcorp Genetics (formerly Invitae), Labcorp
Classification: Uncertain significance for Multiple endocrine neoplasia, type 2. Last evaluated: 2022-07-15. Review status: criteria provided, single submitter. Criteria: Invitae Variant Classification Sherloc (09022015). Collection method: clinical testing. Allele origin: germline.
Comment: This sequence change replaces serine, which is neutral and polar, with cysteine, which is neutral and slightly polar, at codon 224 of the RET protein (p.Ser224Cys). This variant is not present in population databases (gnomAD no frequency). This variant has not been reported in the literature in individuals affected with RET-related conditions. Algorithms developed to predict the effect of missense changes on protein structure and function are either unavailable or do not agree on the potential impact of this missense change (SIFT: "Tolerated"; PolyPhen-2: "Possibly Damaging"; Align-GVGD: "Class C0"). In summary, the available evidence is currently insufficient to determine the role of this variant in disease. Therefore, it has been classified as a Variant of Uncertain Significance.